The following is an entry in ClinVar:

NM_001039141.3(TRIOBP):c.5247A>G (p.Ser1749=)

Gene: TRIOBP (TRIO and F-actin binding protein; plus strand). Cytogenetic location: 22q13.1.
Variant type: single nucleotide variant.
Coding change: c.5247A>G on transcript NM_001039141.3 (MANE Select); coding-DNA position 5247, A replaced by G.
Protein change: p.Ser1749=; no amino-acid change (serine 1749 retained).
Molecular consequence: synonymous variant.
Genome position (GRCh38, 1-based): chr22:37,740,957, A>G. VCF-style: chr22-37740957-A-G. GRCh37 (hg19) VCF-style: chr22-38136964-A-G.
Identifiers: ClinVar variation 505190 (VCV000505190.9), dbSNP rs1172498750, ClinGen allele CA514526348.
Genomic context (GRCh38, chr22:37,740,957, plus strand): 5'-AGACAAGAGGCCAGCAGAGGGCAAGGCTGGGAGCCCGCTCAAGGGCCGACTGGTGACCTC[A>G]TGGCGGATGCCCGGGGACCGGCCCACGCTGTTCAATCCGTTCCTGCTGTCTCTGGGGGTC-3'
Protein context (NP_001034230.1, residues 1739-1759): GSPLKGRLVT[Ser1749=]WRMPGDRPTL

ClinVar aggregate classification (germline): Likely benign. Review status: criteria provided, multiple submitters, no conflicts (2 of 4 stars). 3 submissions from 3 submitters: Likely benign (3). Last evaluated 2024-11-12.

Allele frequency attached by ClinVar (database versions not stated): TOPMed below 0.00001; gnomAD 0.00001; gnomAD exomes 0.00001.
gnomAD v4.1: 25 of 1,565,494 alleles (0.0016%); highest among the groups gnomAD compares: Middle Eastern, 0.25%; no homozygotes.

Submissions (3):

Labcorp Genetics (formerly Invitae), Labcorp
Classification: Likely benign. Last evaluated: 2024-11-12. Review status: criteria provided, single submitter. Criteria: Invitae Variant Classification Sherloc (09022015). Collection method: clinical testing. Allele origin: germline.

Blueprint Genetics
Classification: Likely benign. Last evaluated: 2024-08-26. Review status: criteria provided, single submitter. Criteria: ACMG Guidelines, 2015. Collection method: clinical testing. Allele origin: germline.

Laboratory for Molecular Medicine, Mass General Brigham Personalized Medicine
Classification: Likely benign. Last evaluated: 2016-06-23. Review status: criteria provided, single submitter. Criteria: LMM Criteria. Collection method: clinical testing. Allele origin: germline. Observed: 1 variant allele.
Comment: p.Ser1749Ser in exon 11 of TRIOBP: This variant is not expected to have clinical significance because it does not alter an amino acid residue and it is not loca ted within the splice consensus sequence.